The following is an entry in ClinVar:

NM_020631.6(PLEKHG5):c.971T>C (p.Ile324Thr)

Gene: PLEKHG5 (pleckstrin homology and RhoGEF domain containing G5; minus strand). Cytogenetic location: 1p36.31.
Variant type: single nucleotide variant.
Coding change: c.971T>C on transcript NM_020631.6 (MANE Select); coding-DNA position 971, T replaced by C.
Protein change: p.Ile324Thr; replaces isoleucine 324 with threonine.
Molecular consequence: missense variant.
Genome position (GRCh38, 1-based): chr1:6,472,999, A>G on the plus strand (T>C on the coding strand, the complement: PLEKHG5 is on the minus strand). VCF-style: chr1-6472999-A-G. GRCh37 (hg19) VCF-style: chr1-6533059-A-G.
Other names: c.1082T>C, p.Ile361Thr (NM_001042663.3, NM_001265592.2); c.971T>C, p.Ile324Thr (NM_001042664.2, NM_001042665.2, NM_001265594.3 and 1 more transcripts); c.1178T>C, p.Ile393Thr (NM_001265593.2); short protein forms I324T, I401T, I393T, I361T.
Identifiers: ClinVar variation 234903 (VCV000234903.15), dbSNP rs746862312, ClinGen allele CA561699.
Genomic context (GRCh38, chr1:6,472,999, plus strand): 5'-TCCTCCTTTCGGGACAAGGAGGGAGCAGCACTGTGGCCCGCACTCACCTCATGCCCATCA[A>G]TGAGCTCCCGCCAGCTGTCCTCCAGCCTCAGGCAGGCATTGTCCTCATCCTCGTCTTCAT-3'
Protein context (NP_065682.2, residues 314-334): LRLEDSWREL[Ile324Thr]DGHEKLTRRQ

ClinVar aggregate classification (germline): Uncertain significance. Review status: criteria provided, multiple submitters, no conflicts (2 of 4 stars). 4 submissions from 4 submitters: Uncertain significance (4). Last evaluated 2025-09-10.

Conditions:
Inborn genetic diseases. Identifiers: MedGen C0950123, MeSH D030342.
Neuronopathy, distal hereditary motor, autosomal recessive 4. Also called: Autosomal recessive lower motor neuron disease with childhood onset; NEUROPATHY, DISTAL HEREDITARY MOTOR, AUTOSOMAL RECESSIVE 4. Identifiers: Orphanet 206580, MedGen C1970211, MONDO:0012608, OMIM 611067.
Charcot-Marie-Tooth disease recessive intermediate C. Also called: CHARCOT-MARIE-TOOTH NEUROPATHY, RECESSIVE INTERMEDIATE C. Identifiers: Orphanet 369867, MedGen C3809309, MONDO:0014154, OMIM 615376.

Allele frequency attached by ClinVar (database versions not stated): ExAC 0.00005; gnomAD exomes 0.00008 and 0.00009; TOPMed 0.00008; gnomAD 0.00010 and 0.00012.
gnomAD v4.1: 130 of 1,613,852 alleles (0.0081%); highest among the groups gnomAD compares: Admixed American, 0.038%; 1 homozygote.

Submissions (4):

Ambry Genetics
Classification: Uncertain significance for Inborn genetic diseases. Last evaluated: 2025-09-10. Review status: criteria provided, single submitter. Criteria: Ambry Variant Classification Scheme 2023. Collection method: clinical testing. Allele origin: germline.

Labcorp Genetics (formerly Invitae), Labcorp
Classification: Uncertain significance for Neuronopathy, distal hereditary motor, autosomal recessive 4; Charcot-Marie-Tooth disease recessive intermediate C. Last evaluated: 2022-09-19. Review status: criteria provided, single submitter. Criteria: Invitae Variant Classification Sherloc (09022015). Collection method: clinical testing. Allele origin: germline.
Comment: This sequence change replaces isoleucine, which is neutral and non-polar, with threonine, which is neutral and polar, at codon 324 of the PLEKHG5 protein (p.Ile324Thr). This variant is present in population databases (rs746862312, gnomAD 0.03%), including at least one homozygous and/or hemizygous individual. This variant has not been reported in the literature in individuals affected with PLEKHG5-related conditions. ClinVar contains an entry for this variant (Variation ID: 234903). Algorithms developed to predict the effect of missense changes on protein structure and function (SIFT, PolyPhen-2, Align-GVGD) all suggest that this variant is likely to be tolerated. In summary, the available evidence is currently insufficient to determine the role of this variant in disease. Therefore, it has been classified as a Variant of Uncertain Significance.

Mayo Clinic Laboratories, Mayo Clinic
Classification: Uncertain significance. Last evaluated: 2019-04-14. Review status: criteria provided, single submitter. Criteria: ACMG Guidelines, 2015. Collection method: clinical testing. Allele origin: germline. Observed: 1 variant allele.

GeneDx
Classification: Uncertain significance. Last evaluated: 2016-10-19. Review status: criteria provided, single submitter. Criteria: GeneDx Variant Classification (06012015). Collection method: clinical testing. Allele origin: germline. Affected: yes.
Comment: The I324T variant has not been published as a pathogenic variant, nor has it been reported as a benign variant to our knowledge. It was not observed in approximately 6,500 individuals of European and African American ancestry in the NHLBI Exome Sequencing Project, indicating it is not a common benign variant in these populations. The I324T variant is a non-conservative amino acid substitution, which is likely to impact secondary protein structure as these residues differ in polarity, charge, size and/or other properties. This substitution occurs at a position that is conserved in mammals; however, Threonine is observed at this position in evolution. In silico analysis predicts this variant is probably damaging to the protein structure/function. Therefore, based on the currently available information, it is unclear whether this variant is a pathogenic variant or a rare benign variant.